The following is an entry in ClinVar:

NM_016188.5(ACTL6B):c.369+1G>C

Gene: ACTL6B (actin like 6B; minus strand). Cytogenetic location: 7q22.1.
Variant type: single nucleotide variant.
Coding change: c.369+1G>C on transcript NM_016188.5 (MANE Select); the canonical splice donor site of the intron after coding-DNA position 369, G replaced by C.
Molecular consequence: splice donor variant.
Genome position (GRCh38, 1-based): chr7:100,655,018, C>G on the plus strand (G>C on the coding strand, the complement: ACTL6B is on the minus strand). VCF-style: chr7-100655018-C-G. GRCh37 (hg19) VCF-style: chr7-100252641-C-G.
Identifiers: ClinVar variation 2431410 (VCV002431410.1), dbSNP rs2486170638, ClinGen allele CA368548203.
Genomic context (GRCh38, chr7:100,655,018, plus strand): 5'-ATGGTGGGAAGGAGGTGCAGTGGAGATCAGGGTTGGACATGAGGATGGAGGAGGCACTCA[C>G]CGGAGCCTCGGACATGAGCACTGGGTGCAGGTTTGGCTCAGACTTGACGTGTTTGCTGTA-3'

ClinVar aggregate classification (germline): Likely pathogenic (1 of 4 stars; one submission).

Conditions:
Developmental and epileptic encephalopathy, 76. Also called: EPILEPTIC ENCEPHALOPATHY, EARLY INFANTILE, 76; DEVELOPMENTAL DELAY, EPILEPTIC ENCEPHALOPATHY, CEREBRAL ATROPHY, AND ABNORMAL MYELINATION. Identifiers: MedGen C5193113, MONDO:0032768, OMIM 618468.

Submission:

Laboratorio de Genetica e Diagnostico Molecular, Hospital Israelita Albert Einstein
Classification: Likely pathogenic for Developmental and epileptic encephalopathy, 76. Last evaluated: 2022-09-28. Review status: criteria provided, single submitter. Criteria: ACMG Guidelines, 2015. Collection method: clinical testing. Allele origin: germline. Affected: yes. Observed: 1 variant allele.
Comment: ACMG classification criteria: PVS1 very strong, PM2 moderated